The following is an entry in ClinVar:

NM_001845.6(COL4A1):c.4977C>A (p.Val1659=)

Gene: COL4A1 (collagen type IV alpha 1 chain; minus strand). Cytogenetic location: 13q34.
Variant type: single nucleotide variant.
Coding change: c.4977C>A on transcript NM_001845.6 (MANE Select); coding-DNA position 4977, C replaced by A.
Protein change: p.Val1659=; no amino-acid change (valine 1659 retained).
Molecular consequence: synonymous variant.
Genome position (GRCh38, 1-based): chr13:110,150,396, G>T on the plus strand (C>A on the coding strand, the complement: COL4A1 is on the minus strand). VCF-style: chr13-110150396-G-T. GRCh37 (hg19) VCF-style: chr13-110802743-G-T.
Identifiers: ClinVar variation 4726651 (VCV004726651.1).

ClinVar aggregate classification (germline): Uncertain significance (1 of 4 stars; one submission).

Submission:

Labcorp Genetics (formerly Invitae), Labcorp
Classification: Uncertain significance. Last evaluated: 2025-09-04. Review status: criteria provided, single submitter. Criteria: Invitae Variant Classification Sherloc (09022015). Collection method: clinical testing. Allele origin: germline.
Comment: This sequence change affects codon 1659 of the COL4A1 mRNA. It is a 'silent' change, meaning that it does not change the encoded amino acid sequence of the COL4A1 protein. This variant is not present in population databases (gnomAD no frequency). This variant has not been reported in the literature in individuals affected with COL4A1-related conditions. Algorithms developed to predict the effect of sequence changes on RNA splicing suggest that this variant may create or strengthen a splice site. In summary, the available evidence is currently insufficient to determine the role of this variant in disease. Therefore, it has been classified as a Variant of Uncertain Significance.